The following is an entry in ClinVar:

NM_001035.3(RYR2):c.5512G>T (p.Asp1838Tyr)

Gene: RYR2 (ryanodine receptor 2; plus strand). Cytogenetic location: 1q43.
Variant type: single nucleotide variant.
Coding change: c.5512G>T on transcript NM_001035.3 (MANE Select); coding-DNA position 5512, G replaced by T.
Protein change: p.Asp1838Tyr; replaces aspartic acid 1838 with tyrosine.
Molecular consequence: missense variant.
Genome position (GRCh38, 1-based): chr1:237,614,640, G>T. VCF-style: chr1-237614640-G-T. GRCh37 (hg19) VCF-style: chr1-237777940-G-T.
Other names: c.5512G>T, p.Asp1838Tyr (LRG_402t1); short protein forms D1838Y.
Identifiers: ClinVar variation 578068 (VCV000578068.10), dbSNP rs1559117015, ClinGen allele CA345405187.

ClinVar aggregate classification (germline): Uncertain significance (1 of 4 stars; one submission).

Conditions:
Catecholaminergic polymorphic ventricular tachycardia 1. Also called: VENTRICULAR TACHYCARDIA, CATECHOLAMINERGIC POLYMORPHIC, 1, WITH OR WITHOUT ATRIAL DYSFUNCTION AND/OR DILATED CARDIOMYOPATHY; VENTRICULAR TACHYCARDIA, STRESS-INDUCED POLYMORPHIC 1; RYR2-Related Catecholaminergic Polymorphic Ventricular Tachycardia. Identifiers: Orphanet 3286, MedGen C1631597, MONDO:0011484, OMIM 604772.

Submission:

Labcorp Genetics (formerly Invitae), Labcorp
Classification: Uncertain significance for Catecholaminergic polymorphic ventricular tachycardia 1. Last evaluated: 2023-12-27. Review status: criteria provided, single submitter. Criteria: Invitae Variant Classification Sherloc (09022015). Collection method: clinical testing. Allele origin: germline.
Comment: This sequence change replaces aspartic acid, which is acidic and polar, with tyrosine, which is neutral and polar, at codon 1838 of the RYR2 protein (p.Asp1838Tyr). This variant is not present in population databases (gnomAD no frequency). This variant has not been reported in the literature in individuals affected with RYR2-related conditions. ClinVar contains an entry for this variant (Variation ID: 578068). Advanced modeling of protein sequence and biophysical properties (such as structural, functional, and spatial information, amino acid conservation, physicochemical variation, residue mobility, and thermodynamic stability) has been performed at Invitae for this missense variant, however the output from this modeling did not meet the statistical confidence thresholds required to predict the impact of this variant on RYR2 protein function. In summary, the available evidence is currently insufficient to determine the role of this variant in disease. Therefore, it has been classified as a Variant of Uncertain Significance.